The following is an entry in ClinVar:

ClinVar aggregate classification (germline): Uncertain significance. Review status: criteria provided, multiple submitters, no conflicts (2 of 4 stars). 6 submissions from 6 submitters: Uncertain significance (6). Last evaluated 2024-11-07.

Conditions:
SZT2-related disorder. Also called: SZT2-related condition.
Developmental and epileptic encephalopathy, 18 (DEE18). Also called: Early infantile epileptic encephalopathy 18. Identifiers: Orphanet 369894, MedGen C3809624, MONDO:0014201, OMIM 615476.

Allele frequency attached by ClinVar (database versions not stated): gnomAD exomes 0.00003 and 0.00005; TOPMed 0.00003; gnomAD 0.00004; ExAC 0.00005.
gnomAD v4.1: 47 of 1,614,058 alleles (0.0029%); highest among the groups gnomAD compares: Admixed American, 0.0033%; no homozygotes.

Submissions (6):

PreventionGenetics, part of Exact Sciences
Classification: Uncertain significance for SZT2-related condition. Last evaluated: 2024-11-07. Review status: criteria provided, single submitter. Criteria: ACMG Guidelines, 2015. Collection method: clinical testing. Allele origin: germline.
Comment: The SZT2 c.6979G>A variant is predicted to result in the amino acid substitution p.Asp2327Asn. This variant has been reported in the compound heterozygous state in an individual with a diagnosis consistent with epileptic encephalopathy (Table S2, Cloney et al. 2022. PubMed ID: 34740920). This variant is reported in 0.079% of alleles in individuals of Ashkenazi Jewish descent in gnomAD. At this time, the clinical significance of this variant is uncertain due to the absence of conclusive functional and genetic evidence.

GeneDx
Classification: Uncertain significance. Last evaluated: 2023-09-05. Review status: criteria provided, single submitter. Criteria: GeneDx Variant Classification Process June 2021. Collection method: clinical testing. Allele origin: germline. Affected: yes.
Comment: In silico analysis, which includes protein predictors and evolutionary conservation, supports a deleterious effect; This variant is associated with the following publications: (PMID: 34740920)

Genome-Nilou Lab
Classification: Uncertain significance for Developmental and epileptic encephalopathy, 18. Last evaluated: 2023-04-11. Review status: criteria provided, single submitter. Criteria: ACMG Guidelines, 2015. Collection method: clinical testing. Allele origin: germline. Affected: no.

Labcorp Genetics (formerly Invitae), Labcorp
Classification: Uncertain significance. Last evaluated: 2021-08-31. Review status: criteria provided, single submitter. Criteria: Invitae Variant Classification Sherloc (09022015). Collection method: clinical testing. Allele origin: germline.
Comment: This sequence change replaces aspartic acid with asparagine at codon 2327 of the SZT2 protein (p.Asp2327Asn). The aspartic acid residue is highly conserved and there is a small physicochemical difference between aspartic acid and asparagine. This variant is present in population databases (rs201622088, ExAC 0.008%). This variant has not been reported in the literature in individuals affected with SZT2-related conditions. Algorithms developed to predict the effect of missense changes on protein structure and function are either unavailable or do not agree on the potential impact of this missense change (SIFT: "Deleterious"; PolyPhen-2: "Probably Damaging"; Align-GVGD: "Class C15"). In summary, the available evidence is currently insufficient to determine the role of this variant in disease. Therefore, it has been classified as a Variant of Uncertain Significance.

Blueprint Genetics
Classification: Uncertain significance. Last evaluated: 2019-10-01. Review status: criteria provided, single submitter. Criteria: ACMG Guidelines, 2015. Collection method: clinical testing. Allele origin: germline.

Broad Center for Mendelian Genomics, Broad Institute of MIT and Harvard
Classification: Uncertain significance for Developmental and epileptic encephalopathy, 18. Last evaluated: 2018-12-03. Review status: criteria provided, single submitter. Criteria: ACMG Guidelines, 2015. Collection method: research. Allele origin: germline. Inheritance: Autosomal recessive inheritance. Affected: yes.
Comment: This variant has been identified in 0.09139% (9/9848) of Ashkenazi Jewish chromosomes by the Genome Aggregation Database (gnomAD; dbSNP rs201622088). Although this variant has been seen in the general population, its frequency is low enough to be consistent with a recessive carrier frequency. Computational prediction tools and conservation analyses do not provide strong support for or against an impact to the protein. In summary, the clinical significance of the p.Asp2327Asn variant is uncertain. ACMG/AMP Criteria applied: PM2 (Richards 2015).

NM_001365999.1(SZT2):c.7150G>A (p.Asp2384Asn)

Gene: SZT2 (SZT2 subunit of KICSTOR complex; plus strand). Cytogenetic location: 1p34.2.
Variant type: single nucleotide variant.
Coding change: c.7150G>A on transcript NM_001365999.1 (MANE Select); coding-DNA position 7150, G replaced by A.
Protein change: p.Asp2384Asn; replaces aspartic acid 2384 with asparagine.
Molecular consequence: missense variant.
Genome position (GRCh38, 1-based): chr1:43,439,988, G>A. VCF-style: chr1-43439988-G-A. GRCh37 (hg19) VCF-style: chr1-43905659-G-A.
Other names: c.6979G>A, p.Asp2327Asn (NM_015284.4); short protein forms D2327N, D2384N.
Identifiers: ClinVar variation 813940 (VCV000813940.11), dbSNP rs201622088, ClinGen allele CA810122.